The following is an entry in ClinVar:

NM_007254.4(PNKP):c.1534G>C (p.Gly512Arg)

Gene: PNKP (polynucleotide kinase 3'-phosphatase; minus strand). Cytogenetic location: 19q13.33.
Variant type: single nucleotide variant.
Coding change: c.1534G>C on transcript NM_007254.4 (MANE Select); coding-DNA position 1534, G replaced by C.
Protein change: p.Gly512Arg; replaces glycine 512 with arginine.
Molecular consequence: missense variant.
Genome position (GRCh38, 1-based): chr19:49,861,280, C>G on the plus strand (G>C on the coding strand, the complement: PNKP is on the minus strand). VCF-style: chr19-49861280-C-G. GRCh37 (hg19) VCF-style: chr19-50364537-C-G.
Other names: short protein forms G512R.
Identifiers: ClinVar variation 998580 (VCV000998580.9), dbSNP rs2074752931, ClinGen allele CA406932404.

ClinVar aggregate classification (germline): Uncertain significance (1 of 4 stars; one submission).

Conditions:
Developmental and epileptic encephalopathy, 12 (DEE12). Identifiers: MedGen C3150988, MONDO:0013389, OMIM 613722.

Allele frequency attached by ClinVar (database versions not stated): gnomAD below 0.00001 and 0.00001.

Submission:

Labcorp Genetics (formerly Invitae), Labcorp
Classification: Uncertain significance for Developmental and epileptic encephalopathy, 12. Last evaluated: 2020-05-04. Review status: criteria provided, single submitter. Criteria: Invitae Variant Classification Sherloc (09022015). Collection method: clinical testing. Allele origin: germline.
Comment: Algorithms developed to predict the effect of missense changes on protein structure and function are either unavailable or do not agree on the potential impact of this missense change (SIFT: "Deleterious"; PolyPhen-2: "Benign"; Align-GVGD: "Class C0"). This variant has not been reported in the literature in individuals with PNKP-related conditions. This variant is not present in population databases (ExAC no frequency). This sequence change replaces glycine with arginine at codon 512 of the PNKP protein (p.Gly512Arg). The glycine residue is weakly conserved and there is a moderate physicochemical difference between glycine and arginine. In summary, the available evidence is currently insufficient to determine the role of this variant in disease. Therefore, it has been classified as a Variant of Uncertain Significance.